The following is an entry in ClinVar:

ClinVar aggregate classification (germline): Uncertain significance (1 of 4 stars; one submission).

Conditions:
Rhabdoid tumor predisposition syndrome 2 (RTPS2). Identifiers: Orphanet 231108, Orphanet 69077, MedGen C2750074, MONDO:0013224, OMIM 613325.

Submission:

Labcorp Genetics (formerly Invitae), Labcorp
Classification: Uncertain significance for Rhabdoid tumor predisposition syndrome 2. Last evaluated: 2021-05-11. Review status: criteria provided, single submitter. Criteria: Invitae Variant Classification Sherloc (09022015). Collection method: clinical testing. Allele origin: germline.
Comment: Nucleotide substitutions within the consensus splice site are a relatively common cause of aberrant splicing (PMID: 17576681, 9536098). Algorithms developed to predict the effect of sequence changes on RNA splicing suggest that this variant may disrupt the consensus splice site, but this prediction has not been confirmed by published transcriptional studies. In summary, the available evidence is currently insufficient to determine the role of this variant in disease. Therefore, it has been classified as a Variant of Uncertain Significance. This variant has not been reported in the literature in individuals with SMARCA4-related conditions. This variant is not present in population databases (ExAC no frequency). This sequence change falls in intron 7 of the SMARCA4 gene. It does not directly change the encoded amino acid sequence of the SMARCA4 protein. It affects a nucleotide within the consensus splice site of the intron.

Literature cited by the submitters: PubMed 17576681; PubMed 9536098.

NM_003072.5(SMARCA4):c.1245+5G>C

Gene: SMARCA4 (SWI/SNF related BAF chromatin remodeling complex subunit ATPase 4; plus strand). Cytogenetic location: 19p13.2.
Variant type: single nucleotide variant.
Coding change: c.1245+5G>C on transcript NM_003072.5 (MANE Select); 5 bases into the intron after coding-DNA position 1245, G replaced by C.
Molecular consequence: intron variant.
Genome position (GRCh38, 1-based): chr19:10,989,448, G>C. VCF-style: chr19-10989448-G-C. GRCh37 (hg19) VCF-style: chr19-11100124-G-C.
Other names: c.1245+5G>C (NM_001128844.3, NM_001128849.3, NM_001128847.4 and 5 more transcripts).
Identifiers: ClinVar variation 1352867 (VCV001352867.6), dbSNP rs2145850551, ClinGen allele CA2573155673.